The following is an entry in ClinVar:

ClinVar aggregate classification (germline): Likely benign (1 of 4 stars; one submission).

Conditions:
Junctional epidermolysis bullosa with pyloric atresia. Also called: ITGB4-Related Epidermolysis Bullosa with Pyloric Atresia; ITGA6-Related Epidermolysis Bullosa with Pyloric Atresia; EPIDERMOLYSIS BULLOSA, JUNCTIONAL 5B, WITH PYLORIC ATRESIA; APLASIA CUTIS CONGENITA WITH GASTROINTESTINAL ATRESIA; CARMI SYNDROME; EB-PA-ACC. Identifiers: Orphanet 79403, MedGen C5676875, MONDO:0009183, OMIM 226730.

Allele frequency attached by ClinVar (database versions not stated): 1000 Genomes Project 0.00339; 1000 Genomes Project 30x 0.00344; gnomAD 0.00432 and 0.00472; TOPMed 0.00476.

Submission:

Illumina Laboratory Services, Illumina
Classification: Likely benign for Junctional epidermolysis bullosa with pyloric atresia. Last evaluated: 2018-01-12. Review status: criteria provided, single submitter. Criteria: ICSL Variant Classification Criteria 13 December 2019. Collection method: clinical testing. Allele origin: germline.
Comment: This variant was observed in the ICSL laboratory as part of a predisposition screen in an ostensibly healthy population. It had not been previously curated by ICSL or reported in the Human Gene Mutation Database (HGMD: prior to June 1st, 2018), and was therefore a candidate for classification through an automated scoring system. Utilizing variant allele frequency, disease prevalence and penetrance estimates, and inheritance mode, an automated score was calculated to assess if this variant is too frequent to cause the disease. Based on the score and internal cut-off values, a variant classified as likely benign is not then subjected to further curation. The score for this variant resulted in a classification of likely benign for this disease.

NM_000210.4(ITGA6):c.*882A>C

Genes: ITGA6 (integrin subunit alpha 6; plus strand), PDK1-AS1 (PDK1 and ITGA6 antisense RNA 1; minus strand). Cytogenetic location: 2q31.1.
Variant type: single nucleotide variant.
Coding change: c.*882A>C on transcript NM_000210.4 (MANE Select); 882 bases downstream of the stop codon, A replaced by C.
Molecular consequence: 3 prime UTR variant.
Genome position (GRCh38, 1-based): chr2:172,504,950, A>C. VCF-style: chr2-172504950-A-C. GRCh37 (hg19) VCF-style: chr2-173369678-A-C.
Other names: c.*698A>C (NM_001079818.3, NM_001365529.2); c.*882A>C (NM_001316306.2, NM_001365530.2).
Identifiers: ClinVar variation 332405 (VCV000332405.5), dbSNP rs147290718, ClinGen allele CA10611895.